The following is an entry in ClinVar:

NM_000321.3(RB1):c.469del (p.Val157fs)

Gene: RB1 (RB transcriptional corepressor 1; plus strand). Cytogenetic location: 13q14.2.
Variant type: Deletion.
Coding change: c.469del on transcript NM_000321.3 (MANE Select); coding-DNA position 469, one base deleted (G; older notation c.469delG).
Protein change: p.Val157fs; shifts the reading frame from valine 157.
Molecular consequence: frameshift variant.
Genome position (GRCh38, 1-based): chr13:48,345,168, G deleted. VCF-style (leftmost placement, unchanged base first): chr13-48345167-TG-T. GRCh37 (hg19) VCF-style: chr13-48919303-TG-T.
Other names: c.469del, p.Val157fs (NM_001407165.1, NM_001407166.1); short protein forms V157fs.
Identifiers: ClinVar variation 3237130 (VCV003237130.1), dbSNP rs2542159487.

ClinVar aggregate classification (germline): Pathogenic (1 of 4 stars; one submission).

Conditions:
Retinoblastoma (RB1). Also called: RETINOBLASTOMA, SOMATIC. Identifiers: Orphanet 790, MedGen C0035335, MeSH D012175, MONDO:0008380, OMIM 180200, HP:0009919. Disease mechanism: loss of function. Inheritance: Both sporadic and heritable forms are tested..

Submission:

Genetic Diagnostic Laboratory, University of Pennsylvania School of Medicine
Classification: Pathogenic for Retinoblastoma. Last evaluated: 2024-05-20. Review status: criteria provided, single submitter. Criteria: ACMG Guidelines, 2015. Collection method: clinical testing. Allele origin: germline. Affected: yes. Observed: 2 variant alleles.
Comment: Case and Pedigree Information: BILATERAL CASES:2, UNILATERAL CASES:0, TOTAL CASES:2, PEDIGREES:2. ACMG Codes Applied:PVS1, PM2